The following is an entry in ClinVar:

ClinVar aggregate classification (germline): Uncertain significance (1 of 4 stars; one submission).

Conditions:
Joubert syndrome 21 (JBTS21). Identifiers: MedGen C3810212, MONDO:0014288, OMIM 615636.

Allele frequency attached by ClinVar (database versions not stated): gnomAD exomes below 0.00001; TOPMed below 0.00001; ExAC 0.00001.
gnomAD v4.1: 4 of 1,613,722 alleles (0.00025%); highest among the groups gnomAD compares: Admixed American, 0.005%; no homozygotes.

Submission:

Labcorp Genetics (formerly Invitae), Labcorp
Classification: Uncertain significance for Joubert syndrome 21. Last evaluated: 2022-07-29. Review status: criteria provided, single submitter. Criteria: Invitae Variant Classification Sherloc (09022015). Collection method: clinical testing. Allele origin: germline.
Comment: This variant is present in population databases (rs767206702, gnomAD 0.009%). This sequence change replaces serine, which is neutral and polar, with tyrosine, which is neutral and polar, at codon 590 of the CSPP1 protein (p.Ser590Tyr). This variant has not been reported in the literature in individuals affected with CSPP1-related conditions. Algorithms developed to predict the effect of missense changes on protein structure and function are either unavailable or do not agree on the potential impact of this missense change (SIFT: "Deleterious"; PolyPhen-2: "Probably Damaging"; Align-GVGD: "Class C15"). In summary, the available evidence is currently insufficient to determine the role of this variant in disease. Therefore, it has been classified as a Variant of Uncertain Significance.

NM_001382391.1(CSPP1):c.1784C>A (p.Ser595Tyr)

Gene: CSPP1 (centrosome and spindle pole associated protein 1; plus strand). Cytogenetic location: 8q13.2.
Variant type: single nucleotide variant.
Coding change: c.1784C>A on transcript NM_001382391.1 (MANE Select); coding-DNA position 1784, C replaced by A.
Protein change: p.Ser595Tyr; replaces serine 595 with tyrosine.
Molecular consequence: missense variant.
Genome position (GRCh38, 1-based): chr8:67,132,037, C>A. VCF-style: chr8-67132037-C-A. GRCh37 (hg19) VCF-style: chr8-68044272-C-A.
Other names: c.887C>A, p.Ser296Tyr (NM_001291339.2); c.1703C>A, p.Ser568Tyr (NM_001363131.2); c.1742C>A, p.Ser581Tyr (NM_001363132.2); c.1661C>A, p.Ser554Tyr (NM_001363133.2); c.1850C>A, p.Ser617Tyr (NM_001364869.1); c.1670C>A, p.Ser557Tyr (NM_001364870.1); c.1769C>A, p.Ser590Tyr (NM_024790.7); short protein forms S557Y, S590Y, S296Y, S554Y, S595Y, S617Y, S568Y, S581Y.
Identifiers: ClinVar variation 1936302 (VCV001936302.5), dbSNP rs767206702, ClinGen allele CA4770655.